The following is an entry in ClinVar:

NM_177438.3(DICER1):c.3863G>A (p.Arg1288Lys)

Gene: DICER1 (dicer 1, ribonuclease III; minus strand). Cytogenetic location: 14q32.13.
Variant type: single nucleotide variant.
Coding change: c.3863G>A on transcript NM_177438.3 (MANE Select); coding-DNA position 3863, G replaced by A.
Protein change: p.Arg1288Lys; replaces arginine 1288 with lysine.
Molecular consequence: missense variant. On other transcripts: non-coding transcript variant (6).
Genome position (GRCh38, 1-based): chr14:95,103,533, C>T on the plus strand (G>A on the coding strand, the complement: DICER1 is on the minus strand). VCF-style: chr14-95103533-C-T. GRCh37 (hg19) VCF-style: chr14-95569870-C-T.
Other names: c.3863G>A, p.Arg1288Lys (NM_001195573.1, NM_001271282.3, NM_001291628.2 and 12 more transcripts); c.3581G>A, p.Arg1194Lys (NM_001395686.1); c.3458G>A, p.Arg1153Lys (NM_001395687.1, NM_001395688.1, NM_001395689.1 and 2 more transcripts); c.3296G>A, p.Arg1099Lys (NM_001395691.1); c.2180G>A, p.Arg727Lys (NM_001395697.1); short protein forms R1099K, R1153K, R1194K, R1288K, R727K.
Identifiers: ClinVar variation 4539134 (VCV004539134.1).

ClinVar aggregate classification (germline): Uncertain significance (1 of 4 stars; one submission).

gnomAD v4.1: 1 of 1,614,130 alleles (0.000062%); highest among the groups gnomAD compares: Non-Finnish European, 0.000085%; no homozygotes.

Submission:

Center for Genomic Medicine, Rigshospitalet, Copenhagen University Hospital
Classification: Uncertain significance. Last evaluated: 2025-12-29. Review status: criteria provided, single submitter. Criteria: ACMG Guidelines, 2015. Collection method: clinical testing. Allele origin: germline.
Comment: Classification criteria: BP4